The following is an entry in ClinVar:

ClinVar aggregate classification (germline): Uncertain significance (1 of 4 stars; one submission).

Allele frequency attached by ClinVar (database versions not stated): gnomAD 0.00001; gnomAD exomes 0.00001 and 0.00002; ExAC 0.00002; TOPMed 0.00003; ESP Exome Variant Server 0.00008.
gnomAD v4.1: 12 of 1,612,646 alleles (0.00074%); highest among the groups gnomAD compares: Admixed American, 0.0017%; no homozygotes.

Submission:

Labcorp Genetics (formerly Invitae), Labcorp
Classification: Uncertain significance. Last evaluated: 2022-08-20. Review status: criteria provided, single submitter. Criteria: Invitae Variant Classification Sherloc (09022015). Collection method: clinical testing. Allele origin: germline.
Comment: This sequence change replaces proline, which is neutral and non-polar, with leucine, which is neutral and non-polar, at codon 372 of the PCLO protein (p.Pro372Leu). The frequency data for this variant in the population databases is considered unreliable, as metrics indicate poor data quality at this position in the gnomAD database. This variant has not been reported in the literature in individuals affected with PCLO-related conditions. ClinVar contains an entry for this variant (Variation ID: 1405526). Algorithms developed to predict the effect of missense changes on protein structure and function are either unavailable or do not agree on the potential impact of this missense change (SIFT: "Deleterious"; PolyPhen-2: "Not Available"; Align-GVGD: "Class C0"). In summary, the available evidence is currently insufficient to determine the role of this variant in disease. Therefore, it has been classified as a Variant of Uncertain Significance.

NM_033026.6(PCLO):c.1115C>T (p.Pro372Leu)

Gene: PCLO (piccolo presynaptic cytomatrix protein; minus strand). Cytogenetic location: 7q21.11.
Variant type: single nucleotide variant.
Coding change: c.1115C>T on transcript NM_033026.6 (MANE Select); coding-DNA position 1115, C replaced by T.
Protein change: p.Pro372Leu; replaces proline 372 with leucine.
Molecular consequence: missense variant.
Genome position (GRCh38, 1-based): chr7:83,155,526, G>A on the plus strand (C>T on the coding strand, the complement: PCLO is on the minus strand). VCF-style: chr7-83155526-G-A. GRCh37 (hg19) VCF-style: chr7-82784842-G-A.
Other names: c.1115C>T, p.Pro372Leu (NM_014510.3); short protein forms P372L.
Identifiers: ClinVar variation 1405526 (VCV001405526.3), dbSNP rs376013842, ClinGen allele CA4321520.